The following is an entry in ClinVar:

ClinVar aggregate classification (germline): Uncertain significance. Review status: criteria provided, multiple submitters, no conflicts (2 of 4 stars). 6 submissions from 6 submitters: Uncertain significance (6). Last evaluated 2025-08-18.

Conditions:
Cardiovascular phenotype. Identifiers: MedGen CN230736.
Cardiomyopathy (CMYO). Also called: Cardiomyopathies. Identifiers: Orphanet 167848, MedGen C0878544, MONDO:0004994, HP:0001638. Inheritance: Various modes of inheritance.
Arrhythmogenic right ventricular dysplasia 10. Also called: Arrhythmogenic Right Ventricular Dysplasia/Cardiomyopathy10; ARRHYTHMOGENIC RIGHT VENTRICULAR DYSPLASIA, FAMILIAL, 10; Arrhythmogenic right ventricular dysplasia/cardiomyopathy, type 10. Identifiers: MedGen C1857777, MONDO:0012434, OMIM 610193.

Allele frequency attached by ClinVar (database versions not stated): gnomAD exomes below 0.00001 and 0.00001; gnomAD 0.00001; TOPMed 0.00002.

Submissions (6):

Ambry Genetics
Classification: Uncertain significance for Cardiovascular phenotype. Last evaluated: 2025-08-18. Review status: criteria provided, single submitter. Criteria: Ambry Variant Classification Scheme 2023. Collection method: clinical testing. Allele origin: germline.
Comment: The p.P55L variant (also known as c.164C>T), located in coding exon 3 of the DSG2 gene, results from a C to T substitution at nucleotide position 164. The proline at codon 55 is replaced by leucine, an amino acid with similar properties. This amino acid position is well conserved in available vertebrate species. In addition, this alteration is predicted to be tolerated by in silico analysis. Based on the available evidence, the clinical significance of this variant remains unclear.

Labcorp Genetics (formerly Invitae), Labcorp
Classification: Uncertain significance for Arrhythmogenic right ventricular dysplasia 10. Last evaluated: 2025-08-09. Review status: criteria provided, single submitter. Criteria: Invitae Variant Classification Sherloc (09022015). Collection method: clinical testing. Allele origin: germline.
Comment: This sequence change replaces proline, which is neutral and non-polar, with leucine, which is neutral and non-polar, at codon 55 of the DSG2 protein (p.Pro55Leu). This variant is present in population databases (rs748684045, gnomAD 0.0009%). This variant has not been reported in the literature in individuals affected with DSG2-related conditions. ClinVar contains an entry for this variant (Variation ID: 326473). Invitae Evidence Modeling of protein sequence and biophysical properties (such as structural, functional, and spatial information, amino acid conservation, physicochemical variation, residue mobility, and thermodynamic stability) has been performed for this missense variant. However, the output from this modeling did not meet the statistical confidence thresholds required to predict the impact of this variant on DSG2 protein function. In summary, the available evidence is currently insufficient to determine the role of this variant in disease. Therefore, it has been classified as a Variant of Uncertain Significance.

Color Diagnostics, LLC DBA Color Health
Classification: Uncertain significance for Cardiomyopathy. Last evaluated: 2025-03-17. Review status: criteria provided, single submitter. Criteria: ACMG Guidelines, 2015. Collection method: clinical testing. Allele origin: germline.
Comment: This missense variant replaces proline with leucine at codon 55 of the DSG2 protein. Computational prediction suggests that this variant may not impact protein structure and function. To our knowledge, functional studies have not been reported for this variant. This variant has not been reported in individuals affected with DSG2-related disorders in the literature. This variant has been identified in 1/249492 chromosomes in the general population by the Genome Aggregation Database (gnomAD). The available evidence is insufficient to determine the role of this variant in disease conclusively. Therefore, this variant is classified as a Variant of Uncertain Significance.

Blueprint Genetics
Classification: Uncertain significance. Last evaluated: 2024-09-14. Review status: criteria provided, single submitter. Criteria: ACMG Guidelines, 2015. Collection method: clinical testing. Allele origin: germline.

Illumina Laboratory Services, Illumina
Classification: Uncertain significance for Arrhythmogenic right ventricular dysplasia 10. Last evaluated: 2018-01-12. Review status: criteria provided, single submitter. Criteria: ICSL Variant Classification Criteria 13 December 2019. Collection method: clinical testing. Allele origin: germline.

GeneDx
Classification: Uncertain significance. Last evaluated: 2016-07-05. Review status: criteria provided, single submitter. Criteria: GeneDx Variant Classification (06012015). Collection method: clinical testing. Allele origin: germline. Affected: yes.
Comment: A variant of uncertain significance has been identified in the DSG2 gene. The P55L variant has not been published as a pathogenic variant, nor has it been reported as a benign variant to our knowledge. The P55L variant was not observed in approximately 6,000 individuals of European and African American ancestry in the NHLBI Exome Sequencing Project, indicating it is not a common benign variant in these populations. The P55L variant is a semi-conservative amino acid substitution, which may impact secondary protein structure as these residues differ in some properties. Furthermore, in silico analysis predicts this variant is probably damaging to the protein structure/function. However, this substitution occurs at a position that is not conserved across species.Therefore, based on the currently available information, it is unclear whether this variant is pathogenic or rare benign.

NM_001943.5(DSG2):c.164C>T (p.Pro55Leu)

Gene: DSG2 (desmoglein 2; plus strand). Cytogenetic location: 18q12.1.
Variant type: single nucleotide variant.
Coding change: c.164C>T on transcript NM_001943.5 (MANE Select); coding-DNA position 164, C replaced by T.
Protein change: p.Pro55Leu; replaces proline 55 with leucine.
Molecular consequence: missense variant.
Genome position (GRCh38, 1-based): chr18:31,519,885, C>T. VCF-style: chr18-31519885-C-T. GRCh37 (hg19) VCF-style: chr18-29099848-C-T.
Other names: c.164C>T (LRG_397t1); short protein forms P55L.
Identifiers: ClinVar variation 326473 (VCV000326473.16), dbSNP rs748684045, ClinGen allele CA10651528.
Genomic context (GRCh38, chr18:31,519,885, plus strand): 5'-ATAAGCTGCTTCCTAAACATCCTCATTTAGTGCGGCAAAAGCGCGCCTGGATCACCGCCC[C>T]CGTGGCTCTTCGGGAGGGAGAGGATCTGTCCAAGAAGAATCCAATTGCCAAGGTACCTCC-3'
Protein context (NP_001934.2, residues 45-65): VRQKRAWITA[Pro55Leu]VALREGEDLS